The following is an entry in ClinVar:

NM_033026.6(PCLO):c.6916A>G (p.Lys2306Glu)

Gene: PCLO (piccolo presynaptic cytomatrix protein; minus strand). Cytogenetic location: 7q21.11.
Variant type: single nucleotide variant.
Coding change: c.6916A>G on transcript NM_033026.6 (MANE Select); coding-DNA position 6916, A replaced by G.
Protein change: p.Lys2306Glu; replaces lysine 2306 with glutamic acid.
Molecular consequence: missense variant.
Genome position (GRCh38, 1-based): chr7:82,954,037, T>C on the plus strand (A>G on the coding strand, the complement: PCLO is on the minus strand). VCF-style: chr7-82954037-T-C. GRCh37 (hg19) VCF-style: chr7-82583353-T-C.
Other names: c.6916A>G, p.Lys2306Glu (NM_014510.3); short protein forms K2306E.
Identifiers: ClinVar variation 1363693 (VCV001363693.8), dbSNP rs747750190, ClinGen allele CA4320390.

ClinVar aggregate classification (germline): Uncertain significance. Review status: criteria provided, multiple submitters, no conflicts (2 of 4 stars). 2 submissions from 2 submitters: Uncertain significance (2). Last evaluated 2024-08-13.

Conditions:
Pontocerebellar hypoplasia type 3 (PCH3). Also called: CEREBELLAR ATROPHY WITH PROGRESSIVE MICROCEPHALY; PCH WITH OPTIC ATROPHY. Identifiers: Orphanet 97249, MedGen C1842687, MONDO:0011948, OMIM 608027.

Allele frequency attached by ClinVar (database versions not stated): gnomAD exomes 0.00001 and 0.00003; TOPMed 0.00001; ExAC 0.00002; gnomAD 0.00002.
gnomAD v4.1: 20 of 1,613,702 alleles (0.0012%); highest among the groups gnomAD compares: Non-Finnish European, 0.0017%; no homozygotes.

Submissions (2):

Labcorp Genetics (formerly Invitae), Labcorp
Classification: Uncertain significance. Last evaluated: 2024-08-13. Review status: criteria provided, single submitter. Criteria: Invitae Variant Classification Sherloc (09022015). Collection method: clinical testing. Allele origin: germline.
Comment: This sequence change replaces lysine, which is basic and polar, with glutamic acid, which is acidic and polar, at codon 2306 of the PCLO protein (p.Lys2306Glu). This variant is present in population databases (rs747750190, gnomAD 0.006%). This variant has not been reported in the literature in individuals affected with PCLO-related conditions. ClinVar contains an entry for this variant (Variation ID: 1363693). Experimental studies and prediction algorithms are not available or were not evaluated, and the functional significance of this variant is currently unknown. In summary, the available evidence is currently insufficient to determine the role of this variant in disease. Therefore, it has been classified as a Variant of Uncertain Significance.

Victorian Clinical Genetics Services, Murdoch Childrens Research Institute
Classification: Uncertain significance for Pontocerebellar hypoplasia type 3. Last evaluated: 2019-08-28. Review status: criteria provided, single submitter. Criteria: ACMG Guidelines, 2015. Collection method: clinical testing. Allele origin: germline. Inheritance: Autosomal recessive inheritance.
Comment: A heterozygous missense variant, NM_033026.5(PCLO):c.6916A>G, has been identified in exon 5 of 25 of the PCLO gene. The variant is predicted to result in a minor amino acid change from lysine to glutamic acid at position 2306 of the protein (NP_149015.2(PCLO):p.(Lys2306Glu)). The lysine at this position has low conservation (100 vertebrates, UCSC), but is not located within a well established functional domain. In silico predictions for this variant are consistently benign (Polyphen, SIFT, CADD, Mutation Taster). The variant is present in the gnomAD database at a frequency of 0.003% (8 heterozygotes, 0 homozygotes). An alternative residue change has been reported in the gnomAD database at a frequency of 0.0004%. This variant has not been previously reported in clinical cases. Based on the information available at the time of curation, this variant has been classified as VARIANT of UNCERTAIN SIGNIFICANCE (VUS) with LOW CLINICAL RELEVANCE.